The following is an entry in ClinVar:

ClinVar aggregate classification (germline): Uncertain significance. Review status: criteria provided, multiple submitters, no conflicts (2 of 4 stars). 2 submissions from 2 submitters: Uncertain significance (2). Last evaluated 2025-03-26.

Conditions:
Hereditary cancer-predisposing syndrome. Also called: Hereditary neoplastic syndrome; Hereditary Cancer Syndrome; Tumor predisposition; Neoplastic Syndromes, Hereditary. Identifiers: Orphanet 140162, MedGen C0027672, MeSH D009386, MONDO:0015356.

Submissions (2):

Ambry Genetics
Classification: Uncertain significance for Hereditary cancer-predisposing syndrome. Last evaluated: 2025-03-26. Review status: criteria provided, single submitter. Criteria: Ambry Variant Classification Scheme 2023. Collection method: clinical testing. Allele origin: germline.
Comment: The p.F218V variant (also known as c.652T>G), located in coding exon 6 of the SMARCB1 gene, results from a T to G substitution at nucleotide position 652. The phenylalanine at codon 218 is replaced by valine, an amino acid with highly similar properties. This amino acid position is conserved. In addition, this alteration is predicted to be deleterious by in silico analysis. Based on the available evidence, the clinical significance of this variant remains unclear.

Labcorp Genetics (formerly Invitae), Labcorp
Classification: Uncertain significance. Last evaluated: 2022-06-06. Review status: criteria provided, single submitter. Criteria: Invitae Variant Classification Sherloc (09022015). Collection method: clinical testing. Allele origin: germline.
Comment: This variant has not been reported in the literature in individuals affected with SMARCB1-related conditions. This sequence change replaces phenylalanine, which is neutral and non-polar, with valine, which is neutral and non-polar, at codon 218 of the SMARCB1 protein (p.Phe218Val). This variant is not present in population databases (gnomAD no frequency). Algorithms developed to predict the effect of missense changes on protein structure and function are either unavailable or do not agree on the potential impact of this missense change (SIFT: "Tolerated"; PolyPhen-2: "Probably Damaging"; Align-GVGD: "Class C0"). In summary, the available evidence is currently insufficient to determine the role of this variant in disease. Therefore, it has been classified as a Variant of Uncertain Significance.

NM_003073.5(SMARCB1):c.652T>G (p.Phe218Val)

Gene: SMARCB1 (SWI/SNF related BAF chromatin remodeling complex subunit B1; plus strand). Cytogenetic location: 22q11.23.
Variant type: single nucleotide variant.
Coding change: c.652T>G on transcript NM_003073.5 (MANE Select); coding-DNA position 652, T replaced by G.
Protein change: p.Phe218Val; replaces phenylalanine 218 with valine.
Molecular consequence: missense variant.
Genome position (GRCh38, 1-based): chr22:23,816,793, T>G. VCF-style: chr22-23816793-T-G. GRCh37 (hg19) VCF-style: chr22-24158980-T-G.
Other names: c.625T>G, p.Phe209Val (NM_001007468.3); c.679T>G, p.Phe227Val (NM_001317946.2); c.706T>G, p.Phe236Val (NM_001362877.2); short protein forms F227V, F236V, F209V, F218V.
Identifiers: ClinVar variation 2002566 (VCV002002566.5), dbSNP rs2146009419, ClinGen allele CA410901124.
Genomic context (GRCh38, chr22:23,816,793, plus strand): 5'-GCAATCTCTTGGCATCCCTTCCCTCTCCTGATTTCAGAGAAGTTGATGACGCCTGAGATG[T>G]TTTCAGAAATCCTCTGTGACGATCTGGATTTGAACCCGCTGACGTTTGTGCCAGCCATCG-3'
Protein context (NP_003064.2, residues 208-228): MNEKLMTPEM[Phe218Val]SEILCDDLDL